The following is an entry in ClinVar:

ClinVar aggregate classification (germline): Likely benign. Review status: criteria provided, multiple submitters, no conflicts (2 of 4 stars). 2 submissions from 2 submitters: Likely benign (2). Last evaluated 2024-10-11.

Submissions (2):

Blueprint Genetics
Classification: Likely benign. Last evaluated: 2024-10-11. Review status: criteria provided, single submitter. Criteria: ACMG Guidelines, 2015. Collection method: clinical testing. Allele origin: germline.

CeGaT Center for Human Genetics Tuebingen
Classification: Likely benign. Last evaluated: 2022-04-01. Review status: criteria provided, single submitter. Criteria: CeGaT Center For Human Genetics Tuebingen Variant Classification Criteria Version 2. Collection method: clinical testing. Allele origin: germline. Affected: yes. Observed: 1 variant allele.
Comment: RNF213: PM2:Supporting, BP4, BP7

NM_001256071.3(RNF213):c.1200C>G (p.Val400=)

Gene: RNF213 (ring finger protein 213; plus strand). Cytogenetic location: 17q25.3.
Variant type: single nucleotide variant.
Coding change: c.1200C>G on transcript NM_001256071.3 (MANE Select); coding-DNA position 1200, C replaced by G.
Protein change: p.Val400=; no amino-acid change (valine 400 retained).
Molecular consequence: synonymous variant.
Genome position (GRCh38, 1-based): chr17:80,290,657, C>G. VCF-style: chr17-80290657-C-G. GRCh37 (hg19) VCF-style: chr17-78264456-C-G.
Other names: c.1347C>G, p.Val449= (NM_001410195.1, NM_020914.5); c.1200C>G, p.Val400= (NM_020954.4).
Identifiers: ClinVar variation 2648407 (VCV002648407.25), dbSNP rs2511135791, ClinGen allele CA502179292.